The following is an entry in ClinVar:

ClinVar aggregate classification (germline): Uncertain significance (1 of 4 stars; one submission).

Allele frequency attached by ClinVar (database versions not stated): TOPMed below 0.00001; ExAC 0.00001; gnomAD exomes below 0.00001.
gnomAD v4.1: 3 of 1,614,172 alleles (0.00019%); highest among the groups gnomAD compares: Non-Finnish European, 0.00017%; no homozygotes.

Submission:

GeneDx
Classification: Uncertain significance. Last evaluated: 2020-08-04. Review status: criteria provided, single submitter. Criteria: GeneDx Variant Classification Process June 2021. Collection method: clinical testing. Allele origin: germline. Affected: yes.
Comment: Not observed at a significant frequency in large population cohorts (Lek et al., 2016); In silico analysis, which includes protein predictors and evolutionary conservation, supports a deleterious effect; Has not been previously published as pathogenic or benign to our knowledge

NM_001128840.3(CACNA1D):c.1024G>A (p.Gly342Arg)

Gene: CACNA1D (calcium voltage-gated channel subunit alpha1 D; plus strand). Cytogenetic location: 3p21.1.
Variant type: single nucleotide variant.
Coding change: c.1024G>A on transcript NM_001128840.3 (MANE Select); coding-DNA position 1024, G replaced by A.
Protein change: p.Gly342Arg; replaces glycine 342 with arginine.
Molecular consequence: missense variant.
Genome position (GRCh38, 1-based): chr3:53,666,443, G>A. VCF-style: chr3-53666443-G-A. GRCh37 (hg19) VCF-style: chr3-53700470-G-A.
Other names: c.1024G>A, p.Gly342Arg (NM_000720.4, NM_001128839.3); short protein forms G342R.
Identifiers: ClinVar variation 432376 (VCV000432376.3), dbSNP rs764547242, ClinGen allele CA2453812.